The following is an entry in ClinVar:

ClinVar aggregate classification (germline): Uncertain significance (1 of 4 stars; one submission).

Allele frequency attached by ClinVar (database versions not stated): gnomAD 0.00001; gnomAD exomes 0.00001 and 0.00003; TOPMed 0.00001; ExAC 0.00002.
gnomAD v4.1: 9 of 1,591,092 alleles (0.00057%); highest among the groups gnomAD compares: Admixed American, 0.013%; no homozygotes.

Submission:

Labcorp Genetics (formerly Invitae), Labcorp
Classification: Uncertain significance. Last evaluated: 2025-11-12. Review status: criteria provided, single submitter. Criteria: Invitae Variant Classification Sherloc (09022015). Collection method: clinical testing. Allele origin: germline.
Comment: This sequence change affects an acceptor splice site in intron 2 of the PSMG2 gene. It is expected to disrupt RNA splicing. Variants that disrupt the donor or acceptor splice site typically lead to a loss of protein function (PMID: 16199547), however the current clinical and genetic evidence is not sufficient to establish whether loss-of-function variants in PSMG2 cause disease. This variant is present in population databases (rs777219284, gnomAD 0.02%). This variant has not been reported in the literature in individuals affected with PSMG2-related conditions. ClinVar contains an entry for this variant (Variation ID: 1433011). Algorithms developed to predict the effect of sequence changes on RNA splicing suggest that this variant may disrupt the consensus splice site. In summary, the available evidence is currently insufficient to determine the role of this variant in disease. Therefore, it has been classified as a Variant of Uncertain Significance.

Literature cited by the submitters: PubMed 16199547.

NM_020232.5(PSMG2):c.230-1G>A

Gene: PSMG2 (proteasome assembly chaperone 2; plus strand). Cytogenetic location: 18p11.21.
Variant type: single nucleotide variant.
Coding change: c.230-1G>A on transcript NM_020232.5 (MANE Select); the canonical splice acceptor site of the intron before coding-DNA position 230, G replaced by A.
Molecular consequence: splice acceptor variant.
Genome position (GRCh38, 1-based): chr18:12,712,701, G>A. VCF-style: chr18-12712701-G-A. GRCh37 (hg19) VCF-style: chr18-12712700-G-A.
Other names: c.137-1G>A (NM_147163.2).
Identifiers: ClinVar variation 1433011 (VCV001433011.8), dbSNP rs777219284, ClinGen allele CA8898336.